The following is an entry in ClinVar:

ClinVar aggregate classification (germline): Uncertain significance (1 of 4 stars; one submission).

gnomAD v4.1: 4 of 1,614,084 alleles (0.00025%); highest among the groups gnomAD compares: Non-Finnish European, 0.00034%; no homozygotes.

Submission:

Labcorp Genetics (formerly Invitae), Labcorp
Classification: Uncertain significance. Last evaluated: 2024-07-05. Review status: criteria provided, single submitter. Criteria: Invitae Variant Classification Sherloc (09022015). Collection method: clinical testing. Allele origin: germline.
Comment: This sequence change replaces threonine, which is neutral and polar, with alanine, which is neutral and non-polar, at codon 439 of the RUNX2 protein (p.Thr439Ala). This variant is present in population databases (rs748640088, gnomAD 0.0009%). This variant has not been reported in the literature in individuals affected with RUNX2-related conditions. Algorithms developed to predict the effect of missense changes on protein structure and function output the following: SIFT: "Not Available"; PolyPhen-2: "Benign"; Align-GVGD: "Not Available". The alanine amino acid residue is found in multiple mammalian species, which suggests that this missense change does not adversely affect protein function. In summary, the available evidence is currently insufficient to determine the role of this variant in disease. Therefore, it has been classified as a Variant of Uncertain Significance.

NM_001024630.4(RUNX2):c.1315A>G (p.Thr439Ala)

Gene: RUNX2 (RUNX family transcription factor 2; plus strand). Cytogenetic location: 6p21.1.
Variant type: single nucleotide variant.
Coding change: c.1315A>G on transcript NM_001024630.4 (MANE Select); coding-DNA position 1315, A replaced by G.
Protein change: p.Thr439Ala; replaces threonine 439 with alanine.
Molecular consequence: missense variant.
Genome position (GRCh38, 1-based): chr6:45,547,054, A>G. VCF-style: chr6-45547054-A-G. GRCh37 (hg19) VCF-style: chr6-45514791-A-G.
Other names: c.1249A>G, p.Thr417Ala (NM_001015051.4); c.1207A>G, p.Thr403Ala (NM_001278478.2); c.1273A>G, p.Thr425Ala (NM_001369405.1); short protein forms T403A, T425A, T417A, T439A.
Identifiers: ClinVar variation 3691367 (VCV003691367.2).